The following is an entry in ClinVar:

ClinVar aggregate classification (germline): Benign. Review status: criteria provided, multiple submitters, no conflicts (2 of 4 stars). 3 submissions from 3 submitters: Benign (2). 1 of the submissions does not count toward it. Last evaluated 2018-06-14.

Allele frequency attached by ClinVar (database versions not stated): ESP Exome Variant Server 0.03621; gnomAD 0.04228 and 0.05000; TOPMed 0.04820; gnomAD exomes 0.05171 and 0.08423; ExAC 0.10520; 1000 Genomes Project 30x 0.10696; 1000 Genomes Project 0.11342.
gnomAD v4.1: 83,449 of 1,602,418 alleles (5.2%); highest among the groups gnomAD compares: East Asian, 21%; 4,338 homozygotes.

Submissions (3):

GeneDx
Classification: Benign. Last evaluated: 2018-06-14. Review status: criteria provided, single submitter. Criteria: GeneDx Variant Classification (06012015). Collection method: clinical testing. Allele origin: germline. Affected: yes.
Comment: This variant is considered likely benign or benign based on one or more of the following criteria: it is a conservative change, it occurs at a poorly conserved position in the protein, it is predicted to be benign by multiple in silico algorithms, and/or has population frequency not consistent with disease.

Breakthrough Genomics
Classification: Benign. Review status: criteria provided, single submitter. Criteria: ACMG Guidelines, 2015. Collection method: not provided. Allele origin: germline. Inheritance: Autosomal recessive inheritance. Affected: yes.

Genetic Services Laboratory, University of Chicago
Classification: Likely benign. Review status: no assertion criteria provided. Collection method: clinical testing. Allele origin: germline. Inheritance: Autosomal recessive inheritance. Not counted in ClinVar's aggregate classification.
Comment: Likely benign based on allele frequency in 1000 Genomes Project or ESP global frequency and its presence in a patient with a rare or unrelated disease phenotype. NOT Sanger confirmed

NM_001083961.2(WDR62):c.1768+28G>A

Gene: WDR62 (WD repeat domain 62; plus strand). Cytogenetic location: 19q13.12.
Variant type: single nucleotide variant.
Coding change: c.1768+28G>A on transcript NM_001083961.2 (MANE Select); 28 bases into the intron after coding-DNA position 1768, G replaced by A.
Molecular consequence: intron variant.
Genome position (GRCh38, 1-based): chr19:36,086,840, G>A. VCF-style: chr19-36086840-G-A. GRCh37 (hg19) VCF-style: chr19-36577742-G-A.
Other names: c.1768+28G>A (NM_173636.5).
Identifiers: ClinVar variation 160257 (VCV000160257.7), dbSNP rs77938609, ClinGen allele CA173901.